The following is an entry in ClinVar:

ClinVar aggregate classification (germline): Uncertain significance. Review status: criteria provided, single submitter (1 of 4 stars). 2 submissions from 2 submitters: Uncertain significance (1). 1 of the submissions does not count toward it. Last evaluated 2023-09-12.

Conditions:
Inborn genetic diseases. Identifiers: MedGen C0950123, MeSH D030342.
MAGEL2-related disorder. Also called: MAGEL2-related condition.

gnomAD v4.1: 1 of 1,536,836 alleles (0.000065%); highest among the groups gnomAD compares: Non-Finnish European, 0.000087%; no homozygotes.

Submissions (2):

Ambry Genetics
Classification: Uncertain significance for Inborn genetic diseases. Last evaluated: 2023-09-12. Review status: criteria provided, single submitter. Criteria: Ambry Variant Classification Scheme 2023. Collection method: clinical testing. Allele origin: germline.

PreventionGenetics, part of Exact Sciences
Classification: Uncertain significance for MAGEL2-related condition. Last evaluated: 2024-07-29. Review status: no assertion criteria provided. Collection method: clinical testing. Allele origin: germline. Not counted in ClinVar's aggregate classification.
Comment: The MAGEL2 c.773C>T variant is predicted to result in the amino acid substitution p.Pro258Leu. To our knowledge, this variant has not been reported in the literature. This variant is reported in 0.0017% of alleles in individuals of European (Non-Finnish) descent in gnomAD. At this time, the clinical significance of this variant is uncertain due to the absence of conclusive functional and genetic evidence.

NM_019066.5(MAGEL2):c.773C>T (p.Pro258Leu)

Gene: MAGEL2 (MAGE family member L2; minus strand). Cytogenetic location: 15q11.2.
Variant type: single nucleotide variant.
Coding change: c.773C>T on transcript NM_019066.5 (MANE Select); coding-DNA position 773, C replaced by T.
Protein change: p.Pro258Leu; replaces proline 258 with leucine.
Molecular consequence: missense variant.
Genome position (GRCh38, 1-based): chr15:23,646,970, G>A on the plus strand (C>T on the coding strand, the complement: MAGEL2 is on the minus strand). VCF-style: chr15-23646970-G-A. GRCh37 (hg19) VCF-style: chr15-23892117-G-A.
Other names: short protein forms P258L.
Identifiers: ClinVar variation 2622880 (VCV002622880.3), dbSNP rs1240010230, ClinGen allele CA391335941.